The following is an entry in ClinVar:

NM_020822.3(KCNT1):c.58G>C (p.Gly20Arg)

Gene: KCNT1 (potassium sodium-activated channel subfamily T member 1; plus strand). Cytogenetic location: 9q34.3.
Variant type: single nucleotide variant.
Coding change: c.58G>C on transcript NM_020822.3 (MANE Select); coding-DNA position 58, G replaced by C.
Protein change: p.Gly20Arg; replaces glycine 20 with arginine.
Molecular consequence: missense variant.
Genome position (GRCh38, 1-based): chr9:135,702,316, G>C. VCF-style: chr9-135702316-G-C. GRCh37 (hg19) VCF-style: chr9-138594162-G-C.
Other names: c.58G>C, p.Gly20Arg (NM_001272003.2); short protein forms G20R.
Identifiers: ClinVar variation 1382896 (VCV001382896.6), dbSNP rs2131304181, ClinGen allele CA375492586.

ClinVar aggregate classification (germline): Uncertain significance (1 of 4 stars; one submission).

Conditions:
Autosomal dominant nocturnal frontal lobe epilepsy 5. Also called: CILIARY DYSKINESIA, PRIMARY, 28, WITH SITUS INVERSUS; KCNT1-Related Epilepsy; CILIARY DYSKINESIA, PRIMARY, 28, WITHOUT SITUS INVERSUS; Epilepsy, nocturnal frontal lobe, 5. Identifiers: Orphanet 98784, MedGen C3554306, MONDO:0014002, OMIM 615005.
Developmental and epileptic encephalopathy, 14 (DEE14). Also called: Early infantile epileptic encephalopathy 14. Identifiers: Orphanet 293181, MedGen C3554195, MONDO:0013989, OMIM 614959.

Submission:

Labcorp Genetics (formerly Invitae), Labcorp
Classification: Uncertain significance for Autosomal dominant nocturnal frontal lobe epilepsy 5; Developmental and epileptic encephalopathy, 14. Last evaluated: 2022-03-22. Review status: criteria provided, single submitter. Criteria: Invitae Variant Classification Sherloc (09022015). Collection method: clinical testing. Allele origin: germline.
Comment: In summary, the available evidence is currently insufficient to determine the role of this variant in disease. Therefore, it has been classified as a Variant of Uncertain Significance. Advanced modeling of protein sequence and biophysical properties (such as structural, functional, and spatial information, amino acid conservation, physicochemical variation, residue mobility, and thermodynamic stability) performed at Invitae indicates that this missense variant is not expected to disrupt KCNT1 protein function. This variant has not been reported in the literature in individuals affected with KCNT1-related conditions. This variant is not present in population databases (gnomAD no frequency). This sequence change replaces glycine, which is neutral and non-polar, with arginine, which is basic and polar, at codon 20 of the KCNT1 protein (p.Gly20Arg).